The following is an entry in ClinVar:

NM_198060.4(NRAP):c.3011A>G (p.His1004Arg)

Gene: NRAP (nebulin related anchoring protein; minus strand). Cytogenetic location: 10q25.3.
Variant type: single nucleotide variant.
Coding change: c.3011A>G on transcript NM_198060.4 (MANE Select); coding-DNA position 3011, A replaced by G.
Protein change: p.His1004Arg; replaces histidine 1004 with arginine.
Molecular consequence: missense variant.
Genome position (GRCh38, 1-based): chr10:113,615,779, T>C on the plus strand (A>G on the coding strand, the complement: NRAP is on the minus strand). VCF-style: chr10-113615779-T-C. GRCh37 (hg19) VCF-style: chr10-115375538-T-C.
Other names: c.3011A>G, p.His1004Arg (NM_001261463.2); c.2903A>G, p.His968Arg (NM_001322945.2); c.2906A>G, p.His969Arg (NM_006175.5); c.3011A>G (NM_198060.3); short protein forms H1004R, H968R, H969R.
Identifiers: ClinVar variation 3043210 (VCV003043210.4), dbSNP rs376065257, ClinGen allele CA5694956.

ClinVar aggregate classification (germline): Likely benign. Review status: criteria provided, multiple submitters, no conflicts (2 of 4 stars). 3 submissions from 3 submitters: Likely benign (2). 1 of the submissions does not count toward it. Last evaluated 2025-04-09.

Conditions:
NRAP-related disorder. Also called: NRAP-related condition.

Allele frequency attached by ClinVar (database versions not stated): ESP Exome Variant Server 0.00008; TOPMed 0.00019; gnomAD 0.00044; 1000 Genomes Project 0.00300; 1000 Genomes Project 30x 0.00312.
gnomAD v4.1: 1,173 of 1,609,770 alleles (0.073%); highest among the groups gnomAD compares: South Asian, 1.1%; 14 homozygotes.

Submissions (3):

Molecular Diagnostic Laboratory for Inherited Cardiovascular Disease, Montreal Heart Institute
Classification: Likely benign. Last evaluated: 2025-04-09. Review status: criteria provided, single submitter. Criteria: ACMG Guidelines, 2015. Collection method: clinical testing. Allele origin: germline. Affected: no.
Comment: BS1;BP4;BP6

Blueprint Genetics
Classification: Likely benign. Last evaluated: 2024-11-18. Review status: criteria provided, single submitter. Criteria: ACMG Guidelines, 2015. Collection method: clinical testing. Allele origin: germline.

PreventionGenetics, part of Exact Sciences
Classification: Benign for NRAP-related condition. Last evaluated: 2024-04-09. Review status: no assertion criteria provided. Collection method: clinical testing. Allele origin: germline. Not counted in ClinVar's aggregate classification.
Comment: This variant is classified as benign based on ACMG/AMP sequence variant interpretation guidelines (Richards et al. 2015 PMID: 25741868, with internal and published modifications).